The following is an entry in ClinVar:

ClinVar aggregate classification (germline): Uncertain significance. Review status: criteria provided, multiple submitters, no conflicts (2 of 4 stars). 3 submissions from 3 submitters: Uncertain significance (3). Last evaluated 2026-06-08.

Conditions:
EDNRB-related disorder. Also called: EDNRB-related condition; EDNRB-related disorders.
Hirschsprung disease, susceptibility to, 2. Identifiers: Orphanet 388, MedGen C1838564, MONDO:0010833, OMIM 600155.

Allele frequency attached by ClinVar (database versions not stated): gnomAD 0.00002; gnomAD exomes 0.00002 and 0.00004; TOPMed 0.00003; ExAC 0.00006; ESP Exome Variant Server 0.00008.
gnomAD v4.1: 37 of 1,611,974 alleles (0.0023%); highest among the groups gnomAD compares: East Asian, 0.0067%; no homozygotes.

Submissions (3):

PreventionGenetics, part of Exact Sciences
Classification: Uncertain significance for EDNRB-related condition. Last evaluated: 2026-06-08. Review status: criteria provided, single submitter. Criteria: ACMG Guidelines, 2015. Collection method: clinical testing. Allele origin: germline.
Comment: The EDNRB c.1256C>T variant is predicted to result in the amino acid substitution p.Ser419Leu. To our knowledge, this variant was not reported in EDNRB-related disorder. This variant is reported in 0.015% of alleles in individuals of East Asian descent in gnomAD. At this time, the clinical significance of this variant is uncertain due to the absence of conclusive functional and genetic evidence.

Labcorp Genetics (formerly Invitae), Labcorp
Classification: Uncertain significance. Last evaluated: 2025-06-03. Review status: criteria provided, single submitter. Criteria: Invitae Variant Classification Sherloc (09022015). Collection method: clinical testing. Allele origin: germline.
Comment: This sequence change replaces serine, which is neutral and polar, with leucine, which is neutral and non-polar, at codon 419 of the EDNRB protein (p.Ser419Leu). This variant is present in population databases (rs200548885, gnomAD 0.02%). This variant has not been reported in the literature in individuals affected with EDNRB-related conditions. ClinVar contains an entry for this variant (Variation ID: 880862). An algorithm developed to predict the effect of missense changes on protein structure and function (PolyPhen-2) suggests that this variant is likely to be tolerated. In summary, the available evidence is currently insufficient to determine the role of this variant in disease. Therefore, it has been classified as a Variant of Uncertain Significance.

Illumina Laboratory Services, Illumina
Classification: Uncertain significance for Hirschsprung disease, susceptibility to, 2. Last evaluated: 2018-01-13. Review status: criteria provided, single submitter. Criteria: ICSL Variant Classification Criteria 13 December 2019. Collection method: clinical testing. Allele origin: germline.

NM_001122659.3(EDNRB):c.1256C>T (p.Ser419Leu)

Genes: EDNRB (endothelin receptor type B; minus strand), EDNRB-AS1 (EDNRB antisense RNA 1; plus strand). Cytogenetic location: 13q22.3.
Variant type: single nucleotide variant.
Coding change: c.1256C>T on transcript NM_001122659.3 (MANE Select); coding-DNA position 1256, C replaced by T.
Protein change: p.Ser419Leu; replaces serine 419 with leucine.
Molecular consequence: missense variant. On other transcripts: intron variant (1).
Genome position (GRCh38, 1-based): chr13:77,898,273, G>A on the plus strand (C>T on the coding strand, the complement: EDNRB is on the minus strand). VCF-style: chr13-77898273-G-A. GRCh37 (hg19) VCF-style: chr13-78472408-G-A.
Other names: c.1256C>T, p.Ser419Leu (NM_000115.5); c.1526C>T, p.Ser509Leu (NM_001201397.2); c.1194+1586C>T (NM_003991.4); c.1256C>T (NM_000115.4); short protein forms S509L, S419L.
Identifiers: ClinVar variation 880862 (VCV000880862.12), dbSNP rs200548885, ClinGen allele CA7012153.